The following is an entry in ClinVar:

NM_001844.5(COL2A1):c.2083G>A (p.Val695Met)

Gene: COL2A1 (collagen type II alpha 1 chain; minus strand). Cytogenetic location: 12q13.11.
Variant type: single nucleotide variant.
Coding change: c.2083G>A on transcript NM_001844.5 (MANE Select); coding-DNA position 2083, G replaced by A.
Protein change: p.Val695Met; replaces valine 695 with methionine.
Molecular consequence: missense variant.
Genome position (GRCh38, 1-based): chr12:47,983,104, C>T on the plus strand (G>A on the coding strand, the complement: COL2A1 is on the minus strand). VCF-style: chr12-47983104-C-T. GRCh37 (hg19) VCF-style: chr12-48376887-C-T.
Other names: c.2083G>A (NM_001844.4); c.1876G>A, p.Val626Met (NM_033150.3); short protein forms V695M, V626M.
Identifiers: ClinVar variation 623803 (VCV000623803.47), dbSNP rs751036439, ClinGen allele CA6535250.
Genomic context (GRCh38, chr12:47,983,104, plus strand): 5'-CCAGGGCAGGCCCAAGGAGGCAGCCCGCATTGGCCAACAGGATACTCACCCTGGGACCCA[C>T]GAGGCCAGGGGCTCCAGCTTCACCGGGAACACCCTGGAGAACAAAGAAAGATGTGTGAGA-3'
Protein context (NP_001835.3, residues 685-705): VPGEAGAPGL[Val695Met]GPRGERGFPG

ClinVar aggregate classification (germline): Conflicting classifications of pathogenicity. Review status: criteria provided, conflicting classifications (1 of 4 stars). 3 submissions from 3 submitters: Uncertain significance (2); Likely benign (1). Last evaluated 2025-12-11.

Conditions:
COL2A1-related disorder. Also called: COL2A1-related condition; COL2A1-related disorders.

Allele frequency attached by ClinVar (database versions not stated): ExAC 0.00001; gnomAD 0.00001; gnomAD exomes 0.00001 and 0.00002; TOPMed 0.00001.

Submissions (3):

PreventionGenetics, part of Exact Sciences
Classification: Uncertain significance for COL2A1-related condition. Last evaluated: 2025-12-11. Review status: criteria provided, single submitter. Criteria: ACMG Guidelines, 2015. Collection method: clinical testing. Allele origin: germline.
Comment: The COL2A1 c.2083G>A variant is predicted to result in the amino acid substitution p.Val695Met. To our knowledge, this variant has not been reported in the literature. This variant is present in 0.0033% of alleles in individuals of South Asian descent in gnomAD. At this time, the clinical significance of this variant is uncertain due to the absence of conclusive functional and genetic evidence.

Labcorp Genetics (formerly Invitae), Labcorp
Classification: Likely benign. Last evaluated: 2023-12-21. Review status: criteria provided, single submitter. Criteria: Invitae Variant Classification Sherloc (09022015). Collection method: clinical testing. Allele origin: germline.

CeGaT Center for Human Genetics Tuebingen
Classification: Uncertain significance. Last evaluated: 2018-07-01. Review status: criteria provided, single submitter. Criteria: CeGaT Center For Human Genetics Tuebingen Variant Classification Criteria Version 2. Collection method: clinical testing. Allele origin: germline. Affected: yes. Observed: 1 variant allele.